The following is an entry in ClinVar:

ClinVar aggregate classification (germline): Conflicting classifications of pathogenicity. Review status: criteria provided, conflicting classifications (1 of 4 stars). 2 submissions from 2 submitters: Uncertain significance (1); Likely benign (1). Last evaluated 2025-01-23.

Conditions:
Baller-Gerold syndrome (BGS). Also called: CRANIOSYNOSTOSIS WITH RADIAL DEFECTS. Identifiers: Orphanet 1225, MedGen C0265308, MONDO:0009039, OMIM 218600.
Inborn genetic diseases. Identifiers: MedGen C0950123, MeSH D030342.

Submissions (2):

Ambry Genetics
Classification: Likely benign for Inborn genetic diseases. Last evaluated: 2025-01-23. Review status: criteria provided, single submitter. Criteria: Ambry Variant Classification Scheme 2023. Collection method: clinical testing. Allele origin: germline.

Labcorp Genetics (formerly Invitae), Labcorp
Classification: Uncertain significance for Baller-Gerold syndrome. Last evaluated: 2022-04-09. Review status: criteria provided, single submitter. Criteria: Invitae Variant Classification Sherloc (09022015). Collection method: clinical testing. Allele origin: germline.
Comment: In summary, the available evidence is currently insufficient to determine the role of this variant in disease. Therefore, it has been classified as a Variant of Uncertain Significance. Experimental studies and prediction algorithms are not available or were not evaluated, and the functional significance of this variant is currently unknown. This variant has not been reported in the literature in individuals affected with RECQL4-related conditions. This variant is not present in population databases (gnomAD no frequency). This sequence change replaces aspartic acid, which is acidic and polar, with glycine, which is neutral and non-polar, at codon 211 of the RECQL4 protein (p.Asp211Gly).

NM_004260.4(RECQL4):c.632A>G (p.Asp211Gly)

Gene: RECQL4 (RecQ like helicase 4; minus strand). Cytogenetic location: 8q24.3.
Variant type: single nucleotide variant.
Coding change: c.632A>G on transcript NM_004260.4 (MANE Select); coding-DNA position 632, A replaced by G.
Protein change: p.Asp211Gly; replaces aspartic acid 211 with glycine.
Molecular consequence: missense variant.
Genome position (GRCh38, 1-based): chr8:144,516,487, T>C on the plus strand (A>G on the coding strand, the complement: RECQL4 is on the minus strand). VCF-style: chr8-144516487-T-C. GRCh37 (hg19) VCF-style: chr8-145741871-T-C.
Other names: c.632A>G (NM_004260.3); c.632A>G, p.Asp211Gly (NM_001413017.1, NM_001413018.1, NM_001413019.1 and 4 more transcripts); c.-440A>G (NM_001413022.1, NM_001413023.1, NM_001413024.1 and 5 more transcripts); c.503A>G, p.Asp168Gly (NM_001413025.1); c.-502A>G (NM_001413027.1, NM_001413030.1, NM_001413031.1 and 2 more transcripts); c.-344A>G (NM_001413034.1); c.-709A>G (NM_001413043.1); short protein forms D168G, D211G.
Identifiers: ClinVar variation 2123717 (VCV002123717.5), dbSNP rs2538094600, ClinGen allele CA372690006.